The following is an entry in ClinVar:

NM_002474.3(MYH11):c.5171+3A>G

Genes: MYH11 (myosin heavy chain 11; minus strand), NDE1 (nudE neurodevelopment protein 1; plus strand). Cytogenetic location: 16p13.11.
Variant type: single nucleotide variant.
Coding change: c.5171+3A>G on transcript NM_002474.3 (MANE Select); 3 bases into the intron after coding-DNA position 5171, A replaced by G.
Molecular consequence: intron variant.
Genome position (GRCh38, 1-based): chr16:15,719,217, T>C on the plus strand (A>G on the coding strand, the complement: MYH11 is on the minus strand). VCF-style: chr16-15719217-T-C. GRCh37 (hg19) VCF-style: chr16-15813074-T-C.
Other names: c.948-4974T>C (NM_001143979.2, NM_017668.3); c.5171+3A>G (NM_022844.3); c.5192+3A>G (NM_001040114.2, NM_001040113.2).
Identifiers: ClinVar variation 2725527 (VCV002725527.3), dbSNP rs2040334777, ClinGen allele CA2209909407.
Genomic context (GRCh38, chr16:15,719,217, plus strand): 5'-GAGGATGCTGCCTGTCCCCCCATCCTCTGCTTCAGAGCCCTCTTCCTCCATTCAGTTTCC[T>C]ACCTTCCCGACAGGCTACTGGCCAGCTCCTCTGCCAGTTCCTCCTTCTCGAGGTCCGCTT-3'

ClinVar aggregate classification (germline): Uncertain significance (1 of 4 stars; one submission).

Conditions:
Aortic aneurysm, familial thoracic 4 (AAT4). Also called: AORTIC ANEURYSM/AORTIC DISSECTION AND PATENT DUCTUS ARTERIOSUS. Identifiers: MedGen C1851504, MONDO:0007568, OMIM 132900.

Allele frequency attached by ClinVar (database versions not stated): TOPMed below 0.00001.

Submission:

Labcorp Genetics (formerly Invitae), Labcorp
Classification: Uncertain significance for Aortic aneurysm, familial thoracic 4. Last evaluated: 2025-03-18. Review status: criteria provided, single submitter. Criteria: Invitae Variant Classification Sherloc (09022015). Collection method: clinical testing. Allele origin: germline.
Comment: This sequence change falls in intron 37 of the MYH11 gene. It does not directly change the encoded amino acid sequence of the MYH11 protein. It affects a nucleotide within the consensus splice site. This variant is not present in population databases (gnomAD no frequency). This variant has not been reported in the literature in individuals affected with MYH11-related conditions. ClinVar contains an entry for this variant (Variation ID: 2725527). Variants that disrupt the consensus splice site are a relatively common cause of aberrant splicing (PMID: 17576681, 9536098). Algorithms developed to predict the effect of sequence changes on RNA splicing suggest that this variant is not likely to affect RNA splicing. In summary, the available evidence is currently insufficient to determine the role of this variant in disease. Therefore, it has been classified as a Variant of Uncertain Significance.

Literature cited by the submitters: PubMed 17576681; PubMed 9536098.